The following is an entry in ClinVar:

NM_000350.3(ABCA4):c.919G>A (p.Gly307Ser)

Gene: ABCA4 (ATP binding cassette subfamily A member 4; minus strand). Cytogenetic location: 1p22.1.
Variant type: single nucleotide variant.
Coding change: c.919G>A on transcript NM_000350.3 (MANE Select); coding-DNA position 919, G replaced by A.
Protein change: p.Gly307Ser; replaces glycine 307 with serine.
Molecular consequence: missense variant.
Genome position (GRCh38, 1-based): chr1:94,080,658, C>T on the plus strand (G>A on the coding strand, the complement: ABCA4 is on the minus strand). VCF-style: chr1-94080658-C-T. GRCh37 (hg19) VCF-style: chr1-94546214-C-T.
Other names: c.919G>A, p.Gly307Ser (NM_001425324.1); short protein forms G307S.
Identifiers: ClinVar variation 1047531 (VCV001047531.7), dbSNP rs753920327, ClinGen allele CA958678.

ClinVar aggregate classification (germline): Uncertain significance. Review status: criteria provided, multiple submitters, no conflicts (2 of 4 stars). 2 submissions from 2 submitters: Uncertain significance (2). Last evaluated 2024-11-05.

Allele frequency attached by ClinVar (database versions not stated): ExAC 0.00001; gnomAD exomes 0.00001; TOPMed 0.00001.
gnomAD v4.1: 3 of 1,614,144 alleles (0.00019%); highest among the groups gnomAD compares: Non-Finnish European, 0.00025%; no homozygotes.

Submissions (2):

Labcorp Genetics (formerly Invitae), Labcorp
Classification: Uncertain significance. Last evaluated: 2024-11-05. Review status: criteria provided, single submitter. Criteria: Invitae Variant Classification Sherloc (09022015). Collection method: clinical testing. Allele origin: germline.
Comment: This sequence change replaces glycine, which is neutral and non-polar, with serine, which is neutral and polar, at codon 307 of the ABCA4 protein (p.Gly307Ser). This variant is present in population databases (rs753920327, gnomAD 0.002%). This missense change has been observed in individual(s) with Stargardt disease (internal data). ClinVar contains an entry for this variant (Variation ID: 1047531). An algorithm developed to predict the effect of missense changes on protein structure and function outputs the following: PolyPhen-2: "Benign". The serine amino acid residue is found in multiple mammalian species, which suggests that this missense change does not adversely affect protein function. In summary, the available evidence is currently insufficient to determine the role of this variant in disease. Therefore, it has been classified as a Variant of Uncertain Significance.

Blueprint Genetics
Classification: Uncertain significance. Last evaluated: 2022-08-17. Review status: criteria provided, single submitter. Criteria: ACMG Guidelines, 2015. Collection method: clinical testing. Allele origin: germline.